The following is an entry in ClinVar:

ClinVar aggregate classification (germline): Uncertain significance. Review status: criteria provided, multiple submitters, no conflicts (2 of 4 stars). 4 submissions from 4 submitters: Uncertain significance (3). 1 of the submissions does not count toward it. Last evaluated 2022-07-05.

Conditions:
Alstrom syndrome (ALMS). Identifiers: Orphanet 64, MedGen C0268425, MONDO:0008763, OMIM 203800.

Allele frequency attached by ClinVar (database versions not stated): TOPMed below 0.00001; gnomAD 0.00001.
gnomAD v4.1: 1 of 1,613,932 alleles (0.000062%); highest among the groups gnomAD compares: Admixed American, 0.0017%; no homozygotes.

Submissions (4):

Labcorp Genetics (formerly Invitae), Labcorp
Classification: Uncertain significance for Alstrom syndrome. Last evaluated: 2022-07-05. Review status: criteria provided, single submitter. Criteria: Invitae Variant Classification Sherloc (09022015). Collection method: clinical testing. Allele origin: germline.
Comment: This sequence change replaces valine, which is neutral and non-polar, with alanine, which is neutral and non-polar, at codon 1458 of the ALMS1 protein (p.Val1458Ala). This variant is not present in population databases (gnomAD no frequency). This variant has not been reported in the literature in individuals affected with ALMS1-related conditions. ClinVar contains an entry for this variant (Variation ID: 1253860). Experimental studies and prediction algorithms are not available or were not evaluated, and the functional significance of this variant is currently unknown. In summary, the available evidence is currently insufficient to determine the role of this variant in disease. Therefore, it has been classified as a Variant of Uncertain Significance.

Fulgent Genetics
Classification: Uncertain significance for Alstrom syndrome. Last evaluated: 2021-11-10. Review status: criteria provided, single submitter. Criteria: ACMG Guidelines, 2015. Collection method: clinical testing. Allele origin: unknown.

GeneDx
Classification: Uncertain significance. Last evaluated: 2021-08-08. Review status: criteria provided, single submitter. Criteria: GeneDx Variant Classification Process June 2021. Collection method: clinical testing. Allele origin: germline. Affected: yes.
Comment: Not observed at significant frequency in large population cohorts (Lek et al., 2016); In silico analysis supports that this missense variant does not alter protein structure/function; Has not been previously published as pathogenic or benign to our knowledge

Natera, Inc.
Classification: Uncertain significance for Alstrom syndrome. Last evaluated: 2020-01-24. Review status: no assertion criteria provided. Collection method: clinical testing. Allele origin: germline. Not counted in ClinVar's aggregate classification.

NM_001378454.1(ALMS1):c.4370T>C (p.Val1457Ala)

Gene: ALMS1 (ALMS1 centrosome and basal body associated protein; plus strand). Cytogenetic location: 2p13.1.
Variant type: single nucleotide variant.
Coding change: c.4370T>C on transcript NM_001378454.1 (MANE Select); coding-DNA position 4370, T replaced by C.
Protein change: p.Val1457Ala; replaces valine 1457 with alanine.
Molecular consequence: missense variant.
Genome position (GRCh38, 1-based): chr2:73,450,897, T>C. VCF-style: chr2-73450897-T-C. GRCh37 (hg19) VCF-style: chr2-73678024-T-C.
Other names: c.4373T>C, p.Val1458Ala (NM_015120.4); short protein forms V1457A, V1458A.
Identifiers: ClinVar variation 1253860 (VCV001253860.7), dbSNP rs1671922685, ClinGen allele CA347278402.
Genomic context (GRCh38, chr2:73,450,897, plus strand): 5'-GTTTCTACCAACAGGTCTTGCCACATAGTCATCTACCTGAAGAGGCTTTGGAAGTTTCAG[T>C]TGCTCCTGGACCAGTTGACCAGACGATTGGCACACCAACTGTAACCTCCCCTTCCAGCTC-3'
Protein context (NP_001365383.1, residues 1447-1467): HLPEEALEVS[Val1457Ala]APGPVDQTIG